The following is an entry in ClinVar:

ClinVar aggregate classification (germline): Uncertain significance. Review status: criteria provided, multiple submitters, no conflicts (2 of 4 stars). 2 submissions from 2 submitters: Uncertain significance (2). Last evaluated 2025-06-06.

Conditions:
Inborn genetic diseases. Identifiers: MedGen C0950123, MeSH D030342.

gnomAD v4.1: 26 of 1,613,936 alleles (0.0016%); highest among the groups gnomAD compares: Admixed American, 0.0033%; no homozygotes.

Submissions (2):

Ambry Genetics
Classification: Uncertain significance for Inborn genetic diseases. Last evaluated: 2025-06-06. Review status: criteria provided, single submitter. Criteria: Ambry Variant Classification Scheme 2023. Collection method: clinical testing. Allele origin: germline.

Labcorp Genetics (formerly Invitae), Labcorp
Classification: Uncertain significance. Last evaluated: 2023-02-09. Review status: criteria provided, single submitter. Criteria: Invitae Variant Classification Sherloc (09022015). Collection method: clinical testing. Allele origin: germline.
Comment: This variant has not been reported in the literature in individuals affected with EMC1-related conditions. This variant is present in population databases (rs771525883, gnomAD 0.0009%). This sequence change replaces valine, which is neutral and non-polar, with methionine, which is neutral and non-polar, at codon 284 of the EMC1 protein (p.Val284Met). Advanced modeling of protein sequence and biophysical properties (such as structural, functional, and spatial information, amino acid conservation, physicochemical variation, residue mobility, and thermodynamic stability) performed at Invitae indicates that this missense variant is not expected to disrupt EMC1 protein function. In summary, the available evidence is currently insufficient to determine the role of this variant in disease. Therefore, it has been classified as a Variant of Uncertain Significance.

NM_015047.3(EMC1):c.850G>A (p.Val284Met)

Genes: EMC1 (ER membrane protein complex subunit 1; minus strand), EMC1-AS1 (EMC1 antisense RNA 1; plus strand). Cytogenetic location: 1p36.13.
Variant type: single nucleotide variant.
Coding change: c.850G>A on transcript NM_015047.3 (MANE Select); coding-DNA position 850, G replaced by A.
Protein change: p.Val284Met; replaces valine 284 with methionine.
Molecular consequence: missense variant.
Genome position (GRCh38, 1-based): chr1:19,239,922, C>T on the plus strand (G>A on the coding strand, the complement: EMC1 is on the minus strand). VCF-style: chr1-19239922-C-T. GRCh37 (hg19) VCF-style: chr1-19566416-C-T.
Other names: c.850G>A, p.Val284Met (NM_001271427.2, NM_001271428.2, NM_001375820.1 and 1 more transcripts); c.784G>A, p.Val262Met (NM_001271429.2); c.850G>A (NM_015047.1); short protein forms V262M, V284M.
Identifiers: ClinVar variation 1913237 (VCV001913237.6), dbSNP rs771525883, ClinGen allele CA18822038.